The following is an entry in ClinVar:

ClinVar aggregate classification (germline): Likely benign. Review status: criteria provided, single submitter (1 of 4 stars). 2 submissions from 2 submitters: Likely benign (1). 1 of the submissions does not count toward it. Last evaluated 2025-06-12.

Conditions:
CRB2-related disorder. Also called: CRB2-related condition; CRB2-related disorders.

Allele frequency attached by ClinVar (database versions not stated): TOPMed 0.00001; gnomAD 0.00003 and 0.00004; gnomAD exomes 0.00003.
gnomAD v4.1: 42 of 1,397,118 alleles (0.003%); highest among the groups gnomAD compares: Non-Finnish European, 0.0038%; no homozygotes.

Submissions (2):

Labcorp Genetics (formerly Invitae), Labcorp
Classification: Likely benign. Last evaluated: 2025-06-12. Review status: criteria provided, single submitter. Criteria: Invitae Variant Classification Sherloc (09022015). Collection method: clinical testing. Allele origin: germline.

PreventionGenetics, part of Exact Sciences
Classification: Likely benign for CRB2-related condition. Last evaluated: 2022-12-19. Review status: no assertion criteria provided. Collection method: clinical testing. Allele origin: germline. Not counted in ClinVar's aggregate classification.
Comment: This variant is classified as likely benign based on ACMG/AMP sequence variant interpretation guidelines (Richards et al. 2015 PMID: 25741868, with internal and published modifications).

NM_173689.7(CRB2):c.3111C>T (p.Ala1037=)

Gene: CRB2 (crumbs cell polarity complex component 2; plus strand). Cytogenetic location: 9q33.3.
Variant type: single nucleotide variant.
Coding change: c.3111C>T on transcript NM_173689.7 (MANE Select); coding-DNA position 3111, C replaced by T.
Protein change: p.Ala1037=; no amino-acid change (alanine 1037 retained).
Molecular consequence: synonymous variant. On other transcripts: non-coding transcript variant (1).
Genome position (GRCh38, 1-based): chr9:123,373,642, C>T. VCF-style: chr9-123373642-C-T. GRCh37 (hg19) VCF-style: chr9-126135921-C-T.
Other names: c.3111C>T (NM_173689.6).
Identifiers: ClinVar variation 1610879 (VCV001610879.9), dbSNP rs760985080, ClinGen allele CA5232356.
Genomic context (GRCh38, chr9:123,373,642, plus strand): 5'-GGCGCTGGGCGGCCTGCCCCTGCCCTTGGCGCGGCCCCGGCCCGGCGCGGCCCCTGGCGC[C>T]CGAGAGCACTTCGCGTCTTGGCCTGGGACGCCGGCCCCGATCCTCGGCTGCCGCGGCGCG-3'
Protein context (NP_775960.4, residues 1027-1047): ARPRPGAAPG[Ala1037=]REHFASWPGT